The following is an entry in ClinVar:

ClinVar aggregate classification (germline): Likely benign. Review status: criteria provided, single submitter (1 of 4 stars). 2 submissions from 2 submitters: Likely benign (1). 1 of the submissions does not count toward it. Last evaluated 2022-09-12.

Conditions:
XRCC1-related disorder. Also called: XRCC1-related condition.

Allele frequency attached by ClinVar (database versions not stated): ExAC 0.00001; TOPMed 0.00006; gnomAD 0.00007.
gnomAD v4.1: 117 of 1,613,740 alleles (0.0073%); highest among the groups gnomAD compares: Non-Finnish European, 0.0096%; 1 homozygote.

Submissions (2):

Blueprint Genetics
Classification: Likely benign. Last evaluated: 2022-09-12. Review status: criteria provided, single submitter. Criteria: ACMG Guidelines, 2015. Collection method: clinical testing. Allele origin: germline.

PreventionGenetics, part of Exact Sciences
Classification: Likely benign for XRCC1-related condition. Last evaluated: 2019-09-17. Review status: no assertion criteria provided. Collection method: clinical testing. Allele origin: germline. Not counted in ClinVar's aggregate classification.
Comment: This variant is classified as likely benign based on ACMG/AMP sequence variant interpretation guidelines (Richards et al. 2015 PMID: 25741868, with internal and published modifications).

NM_006297.3(XRCC1):c.1605A>G (p.Pro535=)

Gene: XRCC1 (X-ray repair cross complementing 1; minus strand). Cytogenetic location: 19q13.31.
Variant type: single nucleotide variant.
Coding change: c.1605A>G on transcript NM_006297.3 (MANE Select); coding-DNA position 1605, A replaced by G.
Protein change: p.Pro535=; no amino-acid change (proline 535 retained).
Molecular consequence: synonymous variant.
Genome position (GRCh38, 1-based): chr19:43,545,834, T>C on the plus strand (A>G on the coding strand, the complement: XRCC1 is on the minus strand). VCF-style: chr19-43545834-T-C. GRCh37 (hg19) VCF-style: chr19-44049986-T-C.
Identifiers: ClinVar variation 3040249 (VCV003040249.3), dbSNP rs754460470, ClinGen allele CA9488337.